The following is an entry in ClinVar:

NM_003722.5(TP63):c.1594C>G (p.Pro532Ala)

Gene: TP63 (tumor protein p63; plus strand). Cytogenetic location: 3q28.
Variant type: single nucleotide variant.
Coding change: c.1594C>G on transcript NM_003722.5 (MANE Select); coding-DNA position 1594, C replaced by G.
Protein change: p.Pro532Ala; replaces proline 532 with alanine.
Molecular consequence: missense variant. On other transcripts: intron variant (4).
Genome position (GRCh38, 1-based): chr3:189,889,426, C>G. VCF-style: chr3-189889426-C-G. GRCh37 (hg19) VCF-style: chr3-189607215-C-G.
Other names: c.1594C>G, p.Pro532Ala (NM_001114978.2); c.1312C>G, p.Pro438Ala (NM_001114980.2, NM_001114981.2); c.1057C>G, p.Pro353Ala (NM_001329146.2); c.1582C>G, p.Pro528Ala (NM_001329148.2); c.1588C>G, p.Pro530Ala (NM_001329964.2); c.1507+2875C>G (NM_001329144.2); c.1225+2875C>G (NM_001329145.2); c.1213+2875C>G (NM_001329149.2); and 1 more; short protein forms P530A, P353A, P438A, P528A, P532A.
Identifiers: ClinVar variation 1936783 (VCV001936783.5), dbSNP rs1720790717, ClinGen allele CA355758454.

ClinVar aggregate classification (germline): Uncertain significance. Review status: criteria provided, multiple submitters, no conflicts (2 of 4 stars). 2 submissions from 2 submitters: Uncertain significance (2). Last evaluated 2024-12-19.

Conditions:
ADULT syndrome. Also called: Acro-Dermo-Ungual-Lacrimal-Tooth Syndrome (ADULT Syndrome); ACRO-DERMATO-UNGUAL-LACRIMAL-TOOTH SYNDROME; Acro-dermato-ungual-lacrimal-tooth (adult) syndrome. Identifiers: Orphanet 978, MedGen C1863204, MONDO:0007072, OMIM 103285.
Split hand-foot malformation 4. Also called: Split-Hand/Foot Malformation Type 4 (SHFM4 syndrome); Split-Hand/Foot Malformation Type 4 (SHFM4). Identifiers: Orphanet 2440, MedGen C1854442, MONDO:0011535, OMIM 605289.
Ankyloblepharon-ectodermal defects-cleft lip/palate syndrome. Also called: Hay-Wells syndrome of ectodermal dysplasia; AEC SYNDROME; HAY-WELLS SYNDROME; Ankyloblepharon-ectodermal defects, cleft lip/palate; Ankyloblepharon-Ectodermal Defects-Cleft Lip/Palate Syndrome (AEC Syndrome). Identifiers: Orphanet 1071, MedGen C0406709, MONDO:0007124, OMIM 106260.
Limb-mammary syndrome (LMS). Also called: Mammary hypoplasia, ectrodactyly, and other hand/foot anomalies. Identifiers: Orphanet 69085, MedGen C1863753, MONDO:0011334, OMIM 603543.
Rapp-Hodgkin syndrome (RHS). Also called: Rapp-Hodgkin ectodermal dysplasia syndrome; Isolated Cleft Lip/Cleft Palate (Orofacial Cleft 8); ECTODERMAL DYSPLASIA, ANHIDROTIC, WITH CLEFT LIP/PALATE. Identifiers: MedGen C1785148, MONDO:0007508, OMIM 129400.
Orofacial cleft 8. Also called: Cleft lip with or without cleft palate, nonsyndromic, 8. Identifiers: MedGen C1851878, MONDO:0029145, OMIM 618149.
Ectrodactyly, ectodermal dysplasia, and cleft lip-palate syndrome 3. Also called: Ectrodactyly, Ectodermal Dysplasia, Clefting Syndrome Type 3 (EEC3); Ectrodactyly, Ectodermal Dysplasia, Clefting Syndrome; Ectrodactyly, Ectodermal Dysplasia, Cleft Lip/Palate Syndrome 3 (EEC3); EEC SYNDROME 3. Identifiers: Orphanet 1896, MedGen C1858562, MONDO:0011428, OMIM 604292.
Premature ovarian failure 21 (POF21). Identifiers: MedGen C5830399, MONDO:0957216, OMIM 620311.
TP63-Related Spectrum Disorders.

gnomAD v4.1: 3 of 1,614,076 alleles (0.00019%); highest among the groups gnomAD compares: Non-Finnish European, 0.00025%; no homozygotes.

Submissions (2):

Labcorp Genetics (formerly Invitae), Labcorp
Classification: Uncertain significance. Last evaluated: 2024-12-19. Review status: criteria provided, single submitter. Criteria: Invitae Variant Classification Sherloc (09022015). Collection method: clinical testing. Allele origin: germline.
Comment: This sequence change replaces proline, which is neutral and non-polar, with alanine, which is neutral and non-polar, at codon 532 of the TP63 protein (p.Pro532Ala). This variant is not present in population databases (gnomAD no frequency). This missense change has been observed in individual(s) with oligodontia (PMID: 24449199). ClinVar contains an entry for this variant (Variation ID: 1936783). Invitae Evidence Modeling of protein sequence and biophysical properties (such as structural, functional, and spatial information, amino acid conservation, physicochemical variation, residue mobility, and thermodynamic stability) indicates that this missense variant is not expected to disrupt TP63 protein function with a negative predictive value of 80%. In summary, the available evidence is currently insufficient to determine the role of this variant in disease. Therefore, it has been classified as a Variant of Uncertain Significance.

Fulgent Genetics
Classification: Uncertain significance for ADULT syndrome; Ankyloblepharon-ectodermal defects-cleft lip/palate syndrome; Rapp-Hodgkin syndrome; Limb-mammary syndrome; Ectrodactyly, ectodermal dysplasia, and cleft lip-palate syndrome 3; Split hand-foot malformation 4; Orofacial cleft 8; Premature ovarian failure 21. Last evaluated: 2024-05-09. Review status: criteria provided, single submitter. Criteria: ACMG Guidelines, 2015. Collection method: clinical testing. Allele origin: germline.

Literature cited by the submitters: PubMed 24449199 (cited by Labcorp Genetics (formerly Invitae), Labcorp).